The following is an entry in ClinVar:

ClinVar aggregate classification (germline): Uncertain significance (1 of 4 stars; one submission).

Conditions:
Hereditary cancer-predisposing syndrome. Also called: Hereditary Cancer Syndrome; Hereditary neoplastic syndrome; Neoplastic Syndromes, Hereditary; Tumor predisposition. Identifiers: Orphanet 140162, MedGen C0027672, MeSH D009386, MONDO:0015356.

Submission:

Ambry Genetics
Classification: Uncertain significance for Hereditary cancer-predisposing syndrome. Last evaluated: 2025-09-29. Review status: criteria provided, single submitter. Criteria: Ambry Variant Classification Scheme 2023. Collection method: clinical testing. Allele origin: germline.
Comment: The p.D156V variant (also known as c.467A>T), located in coding exon 3 of the CDKN2A gene, results from an A to T substitution at nucleotide position 467. The aspartic acid at codon 156 is replaced by valine, an amino acid with highly dissimilar properties. This amino acid position is not well conserved in available vertebrate species. In addition, this alteration is predicted to be tolerated by in silico analysis. Since supporting evidence is limited at this time, the clinical significance of this alteration remains unclear.

NM_000077.5(CDKN2A):c.467A>T (p.Asp156Val)

Gene: CDKN2A (cyclin dependent kinase inhibitor 2A; minus strand). Cytogenetic location: 9p21.3.
Variant type: single nucleotide variant.
Coding change: c.467A>T on transcript NM_000077.5; coding-DNA position 467, A replaced by T.
Protein change: p.Asp156Val; replaces aspartic acid 156 with valine.
Molecular consequence: missense variant (on NM_000077.6). On other transcripts: 3 prime UTR variant (3).
Genome position (GRCh38, 1-based): chr9:21,968,233, T>A on the plus strand (A>T on the coding strand, the complement: CDKN2A is on the minus strand). VCF-style: chr9-21968233-T-A. GRCh37 (hg19) VCF-style: chr9-21968232-T-A.
Other names: c.467A>T, p.Asp156Val (NM_000077.6); c.*160A>T (NM_001195132.2); c.314A>T, p.Asp105Val (NM_001363763.2); c.*111A>T (NM_058195.4); c.*390A>T (NM_058197.5); short protein forms D156V, D105V.
Identifiers: ClinVar variation 1742377 (VCV001742377.3), dbSNP rs2489260627, ClinGen allele CA373085059.